The following is an entry in ClinVar:

ClinVar aggregate classification (germline): Pathogenic (1 of 4 stars; one submission).

Submission:

Labcorp Genetics (formerly Invitae), Labcorp
Classification: Pathogenic. Last evaluated: 2023-02-01. Review status: criteria provided, single submitter. Criteria: Invitae Variant Classification Sherloc (09022015). Collection method: clinical testing. Allele origin: unknown.
Comment: This variant results in the deletion of exons 12-13 and part of exon 11 (c.1135_*1509del) of the TMPRSS3 gene. While this deletion is not anticipated to lead to nonsense mediated decay, it is expected to alter mRNA translation or result in a truncated protein product. This variant has not been reported in the literature in individuals affected with TMPRSS3-related conditions. This variant disrupts a region of the TMPRSS3 protein in which other variant(s) (p.Met448Thr) have been determined to be pathogenic (PMID: 28566687, 31412945, 32860223). This suggests that this is a clinically significant region of the protein, and that variants that disrupt it are likely to be disease-causing. For these reasons, this variant has been classified as Pathogenic.

Literature cited by the submitters: PubMed 28566687; PubMed 31412945; PubMed 32860223.

NC_000021.8:g.(?_43791362)_(43796709_?)del

Gene: TMPRSS3 (transmembrane serine protease 3; minus strand). Cytogenetic location: 21q22.3.
Variant type: Deletion.
Identifiers: ClinVar variation 3248206 (VCV003248206.1).